The following is an entry in ClinVar:

NM_000136.3(FANCC):c.647A>G (p.Gln216Arg)

Genes: AOPEP (aminopeptidase O (putative); plus strand), FANCC (FA complementation group C; minus strand). Cytogenetic location: 9q22.32.
Variant type: single nucleotide variant.
Coding change: c.647A>G on transcript NM_000136.3 (MANE Select); coding-DNA position 647, A replaced by G.
Protein change: p.Gln216Arg; replaces glutamine 216 with arginine.
Molecular consequence: missense variant.
Genome position (GRCh38, 1-based): chr9:95,149,962, T>C on the plus strand (A>G on the coding strand, the complement: FANCC is on the minus strand). VCF-style: chr9-95149962-T-C. GRCh37 (hg19) VCF-style: chr9-97912244-T-C.
Other names: c.647A>G, p.Gln216Arg (NM_001243743.2, NM_001243744.2); short protein forms Q216R.
Identifiers: ClinVar variation 3277626 (VCV003277626.1).

ClinVar aggregate classification (germline): Uncertain significance (1 of 4 stars; one submission).

Conditions:
Hereditary cancer-predisposing syndrome. Also called: Tumor predisposition; Hereditary Cancer Syndrome; Hereditary neoplastic syndrome; Neoplastic Syndromes, Hereditary. Identifiers: Orphanet 140162, MedGen C0027672, MeSH D009386, MONDO:0015356.

Submission:

Ambry Genetics
Classification: Uncertain significance for Hereditary cancer-predisposing syndrome. Last evaluated: 2024-03-19. Review status: criteria provided, single submitter. Criteria: Ambry Variant Classification Scheme 2023. Collection method: clinical testing. Allele origin: germline.
Comment: The p.Q216R variant (also known as c.647A>G), located in coding exon 6 of the FANCC gene, results from an A to G substitution at nucleotide position 647. The glutamine at codon 216 is replaced by arginine, an amino acid with highly similar properties. This amino acid position is conserved. In addition, this alteration is predicted to be tolerated by in silico analysis. Based on the available evidence, the clinical significance of this alteration remains unclear.